The following is an entry in ClinVar:

NM_020949.3(SLC7A14):c.1570G>T (p.Glu524Ter)

Genes: SLC7A14 (solute carrier family 7 member 14; minus strand), SLC7A14-AS1 (SLC7A14 antisense RNA 1; plus strand). Cytogenetic location: 3q26.2.
Variant type: single nucleotide variant.
Coding change: c.1570G>T on transcript NM_020949.3 (MANE Select); coding-DNA position 1570, G replaced by T.
Protein change: p.Glu524Ter; replaces glutamic acid 524 with a stop codon.
Molecular consequence: nonsense.
Genome position (GRCh38, 1-based): chr3:170,480,712, C>A on the plus strand (G>T on the coding strand, the complement: SLC7A14 is on the minus strand). VCF-style: chr3-170480712-C-A. GRCh37 (hg19) VCF-style: chr3-170198501-C-A.
Other names: short protein forms E524*.
Identifiers: ClinVar variation 842486 (VCV000842486.9), dbSNP rs1711783649, ClinGen allele CA355489971.

ClinVar aggregate classification (germline): Uncertain significance (1 of 4 stars; one submission).

Submission:

Labcorp Genetics (formerly Invitae), Labcorp
Classification: Uncertain significance. Last evaluated: 2022-10-04. Review status: criteria provided, single submitter. Criteria: Invitae Variant Classification Sherloc (09022015). Collection method: clinical testing. Allele origin: germline.
Comment: In summary, the available evidence is currently insufficient to determine the role of this variant in disease. Therefore, it has been classified as a Variant of Uncertain Significance. ClinVar contains an entry for this variant (Variation ID: 842486). This variant has not been reported in the literature in individuals affected with SLC7A14-related conditions. This variant is not present in population databases (gnomAD no frequency). This sequence change creates a premature translational stop signal (p.Glu524*) in the SLC7A14 gene. It is expected to result in an absent or disrupted protein product. However, the current clinical and genetic evidence is not sufficient to establish whether loss-of-function variants in SLC7A14 cause disease.